The following is an entry in ClinVar:

NM_020738.4(KIDINS220):c.1000-5del

Gene: KIDINS220 (kinase D interacting substrate 220; minus strand). Cytogenetic location: 2p25.1.
Variant type: Deletion.
Coding change: c.1000-5del on transcript NM_020738.4 (MANE Select); 5 bases into the intron before coding-DNA position 1000, one base deleted (C; older notation c.1000-5delC).
Molecular consequence: intron variant.
Genome position (GRCh38, 1-based): chr2:8,796,874, G deleted on the plus strand (C on the coding strand, the reverse complement: KIDINS220 is on the minus strand); the first of 3 consecutive G bases (chr2:8,796,874-8,796,876); deleting any one gives the same sequence. VCF-style (leftmost placement, unchanged base first): chr2-8796873-TG-T. GRCh37 (hg19) VCF-style: chr2-8937003-TG-T.
Other names: c.1000-5del (NM_001348741.2, NM_001348738.2, NM_001348742.2 and 3 more transcripts); c.1003-5del (NM_001348739.2, NM_001348740.2, NM_001348734.2 and 3 more transcripts); c.874-5del (NM_001348736.2).
Identifiers: ClinVar variation 3057503 (VCV003057503.2), dbSNP rs767433238, ClinGen allele CA1520280.

ClinVar aggregate classification (germline): Likely benign (0 of 4 stars; one submission).

Conditions:
KIDINS220-related disorder. Also called: KIDINS220-related condition.

Submission:

PreventionGenetics, part of Exact Sciences
Classification: Likely benign for KIDINS220-related condition. Last evaluated: 2019-02-22. Review status: no assertion criteria provided. Collection method: clinical testing. Allele origin: germline.
Comment: This variant is classified as likely benign based on ACMG/AMP sequence variant interpretation guidelines (Richards et al. 2015 PMID: 25741868, with internal and published modifications).